The following is an entry in ClinVar:

NM_024422.6(DSC2):c.1231A>G (p.Lys411Glu)

Gene: DSC2 (desmocollin 2; minus strand). Cytogenetic location: 18q12.1.
Variant type: single nucleotide variant.
Coding change: c.1231A>G on transcript NM_024422.6 (MANE Select); coding-DNA position 1231, A replaced by G.
Protein change: p.Lys411Glu; replaces lysine 411 with glutamic acid.
Molecular consequence: missense variant.
Genome position (GRCh38, 1-based): chr18:31,082,270, T>C on the plus strand (A>G on the coding strand, the complement: DSC2 is on the minus strand). VCF-style: chr18-31082270-T-C. GRCh37 (hg19) VCF-style: chr18-28662236-T-C.
Other names: p.K411E:AAA>GAA; c.1231A>G, p.Lys411Glu (NM_004949.5); short protein forms K411E.
Identifiers: ClinVar variation 199766 (VCV000199766.19), dbSNP rs560482778, ClinGen allele CA022430.

ClinVar aggregate classification (germline): Conflicting classifications of pathogenicity. Review status: criteria provided, conflicting classifications (1 of 4 stars). 5 submissions from 5 submitters: Uncertain significance (4); Likely benign (1). Last evaluated 2025-11-17.

Conditions:
Cardiovascular phenotype. Identifiers: MedGen CN230736.
Familial isolated arrhythmogenic right ventricular dysplasia. Identifiers: Orphanet 217656, MedGen C4274968, MONDO:0016342.
Arrhythmogenic right ventricular dysplasia 11. Also called: Arrhythmogenic right ventricular dysplasia 11 with mild palmoplantar keratoderma and woolly hair; Arrhythmogenic Right Ventricular Dysplasia/Cardiomyopathy11; ARRHYTHMOGENIC RIGHT VENTRICULAR DYSPLASIA, FAMILIAL, 11. Identifiers: MedGen C1864850, MONDO:0012506, OMIM 610476.
Cardiomyopathy (CMYO). Also called: Cardiomyopathies. Identifiers: Orphanet 167848, MedGen C0878544, MONDO:0004994, HP:0001638. Inheritance: Various modes of inheritance.

Allele frequency attached by ClinVar (database versions not stated): gnomAD exomes 0.00003 and 0.00004; gnomAD 0.00003 and 0.00002; ExAC 0.00005; TOPMed 0.00001.
gnomAD v4.1: 50 of 1,613,594 alleles (0.0031%); highest among the groups gnomAD compares: Non-Finnish European, 0.0036%; no homozygotes.

Submissions (5):

Labcorp Genetics (formerly Invitae), Labcorp
Classification: Uncertain significance for Arrhythmogenic right ventricular dysplasia 11. Last evaluated: 2025-11-17. Review status: criteria provided, single submitter. Criteria: Invitae Variant Classification Sherloc (09022015). Collection method: clinical testing. Allele origin: germline.
Comment: This sequence change replaces lysine, which is basic and polar, with glutamic acid, which is acidic and polar, at codon 411 of the DSC2 protein (p.Lys411Glu). This variant is present in population databases (rs560482778, gnomAD 0.02%). This variant has not been reported in the literature in individuals affected with DSC2-related conditions. ClinVar contains an entry for this variant (Variation ID: 199766). Invitae Evidence Modeling of protein sequence and biophysical properties (such as structural, functional, and spatial information, amino acid conservation, physicochemical variation, residue mobility, and thermodynamic stability) indicates that this missense variant is not expected to disrupt DSC2 protein function with a negative predictive value of 80%. In summary, the available evidence is currently insufficient to determine the role of this variant in disease. Therefore, it has been classified as a Variant of Uncertain Significance.

All of Us Research Program, National Institutes of Health
Classification: Uncertain significance for Familial isolated arrhythmogenic right ventricular dysplasia. Last evaluated: 2024-09-23. Review status: criteria provided, single submitter. Criteria: ACMG Guidelines, 2015. Collection method: clinical testing. Allele origin: germline. Inheritance: Autosomal dominant inheritance. Observed: 12 variant alleles, 12 heterozygotes.
Comment: This missense variant replaces lysine with glutamic acid at codon 411 of the DSC2 protein. Computational prediction suggests that this variant may not impact protein structure and function (internally defined REVEL score threshold <= 0.5, PMID: 27666373). Splice site prediction tools suggest that this variant may not impact RNA splicing. To our knowledge, functional studies have not been performed for this variant. This variant has not been reported in individuals affected with cardiovascular disorders in the literature. This variant has been identified in 13/282332 chromosomes in the general population by the Genome Aggregation Database (gnomAD). The available evidence is insufficient to determine the role of this variant in disease conclusively. Therefore, this variant is classified as a Variant of Uncertain Significance.

This study involves interpretation of variants in research participants for the purpose of population health screening. Participant phenotype was not available at the time of variant classification. Additional details can be found in publication PMID: 35346344, PMCID: PMC8962531

Color Diagnostics, LLC DBA Color Health
Classification: Uncertain significance for Cardiomyopathy. Last evaluated: 2024-02-16. Review status: criteria provided, single submitter. Criteria: ACMG Guidelines, 2015. Collection method: clinical testing. Allele origin: germline.
Comment: This missense variant replaces lysine with glutamic acid at codon 411 of the DSC2 protein. Computational prediction suggests that this variant may not impact protein structure and function (internally defined REVEL score threshold <= 0.5, PMID: 27666373). To our knowledge, functional studies have not been reported for this variant. This variant has not been reported in individuals affected with DSC2-related disorders in the literature. This variant has been identified in 13/282332 chromosomes in the general population by the Genome Aggregation Database (gnomAD). The available evidence is insufficient to determine the role of this variant in disease conclusively. Therefore, this variant is classified as a Variant of Uncertain Significance.

Ambry Genetics
Classification: Likely benign for Cardiovascular phenotype. Last evaluated: 2023-06-20. Review status: criteria provided, single submitter. Criteria: Ambry Variant Classification Scheme 2023. Collection method: clinical testing. Allele origin: germline.

GeneDx
Classification: Uncertain significance. Last evaluated: 2018-11-29. Review status: criteria provided, single submitter. Criteria: GeneDx Variant Classification (06012015). Collection method: clinical testing. Allele origin: germline. Affected: yes.
Comment: The K411E variant of uncertain significance in the DSC2 gene has not been published as pathogenic or been reported as benign to our knowledge. This variant is observed in 13/276812 (0.005%) alleles from individuals of multiple ethnic backgrounds in large population cohorts (Lek et al., 2016). In-silico analyses, including protein predictors and evolutionary conservation, support that this variant does not alter protein structure/function. Nevertheless, the K411E variant is a non-conservative amino acid substitution, which is likely to impact secondary protein structure as these residues differ in polarity, charge, size and/or other properties. Therefore, based on the currently available information, it is unclear whether this variant is pathogenic or rare benign.